The following is an entry in ClinVar:

NM_000548.5(TSC2):c.5058G>C (p.Gln1686His)

Gene: TSC2 (TSC complex subunit 2; plus strand). Cytogenetic location: 16p13.3.
Variant type: single nucleotide variant.
Coding change: c.5058G>C on transcript NM_000548.5 (MANE Select); coding-DNA position 5058, G replaced by C.
Protein change: p.Gln1686His; replaces glutamine 1686 with histidine.
Molecular consequence: missense variant.
Genome position (GRCh38, 1-based): chr16:2,087,931, G>C. VCF-style: chr16-2087931-G-C. GRCh37 (hg19) VCF-style: chr16-2137932-G-C.
Other names: c.4857G>C, p.Gln1619His (NM_001077183.3); c.4989G>C, p.Gln1663His (NM_001114382.3); c.4749G>C, p.Gln1583His (NM_001318827.2); c.4713G>C, p.Gln1571His (NM_001318829.2); c.4326G>C, p.Gln1442His (NM_001318831.2); c.4890G>C, p.Gln1630His (NM_001318832.2); c.4860G>C, p.Gln1620His (NM_001363528.2); c.4926G>C, p.Gln1642His (NM_001370404.1); and 1 more; short protein forms Q1686H, Q1442H, Q1643H, Q1571H, Q1583H, Q1619H, Q1620H, Q1630H.
Identifiers: ClinVar variation 468134 (VCV000468134.9), dbSNP rs200700923, ClinGen allele CA394311648.

ClinVar aggregate classification (germline): Uncertain significance (1 of 4 stars; one submission).

Conditions:
Tuberous sclerosis 2 (TSC2). Identifiers: Orphanet 805, MedGen C1860707, MONDO:0013199, OMIM 613254.

gnomAD v4.1: 3 of 1,605,198 alleles (0.00019%); highest among the groups gnomAD compares: Non-Finnish European, 0.00017%; no homozygotes.

Submission:

Labcorp Genetics (formerly Invitae), Labcorp
Classification: Uncertain significance for Tuberous sclerosis 2. Last evaluated: 2018-09-14. Review status: criteria provided, single submitter. Criteria: Invitae Variant Classification Sherloc (09022015). Collection method: clinical testing. Allele origin: germline.
Comment: In summary, the available evidence is currently insufficient to determine the role of this variant in disease. Therefore, it has been classified as a Variant of Uncertain Significance. This variant has not been reported in the literature in individuals with TSC2-related disease. ClinVar contains an entry for this variant (Variation ID: 468134). Algorithms developed to predict the effect of missense changes on protein structure and function are either unavailable or do not agree on the potential impact of this missense change (SIFT: "Deleterious"; PolyPhen-2: "Probably Damaging"; Align-GVGD: "Class C0"). This variant is not present in population databases (ExAC no frequency). This sequence change replaces glutamine with histidine at codon 1686 of the TSC2 protein (p.Gln1686His). The glutamine residue is highly conserved and there is a small physicochemical difference between glutamine and histidine.